The following is an entry in ClinVar:

NM_003640.5(ELP1):c.1230G>A (p.Pro410=)

Gene: ELP1 (elongator acetyltransferase complex subunit 1; minus strand). Cytogenetic location: 9q31.3.
Variant type: single nucleotide variant.
Coding change: c.1230G>A on transcript NM_003640.5 (MANE Select); coding-DNA position 1230, G replaced by A.
Protein change: p.Pro410=; no amino-acid change (proline 410 retained).
Molecular consequence: synonymous variant.
Genome position (GRCh38, 1-based): chr9:108,911,140, C>T on the plus strand (G>A on the coding strand, the complement: ELP1 is on the minus strand). VCF-style: chr9-108911140-C-T. GRCh37 (hg19) VCF-style: chr9-111673420-C-T.
Other names: p.P410P:CCG>CCA; p.Pro410=; c.1230G>A (LRG_251t1); c.888G>A, p.Pro296= (NM_001318360.2); c.183G>A, p.Pro61= (NM_001330749.2).
Identifiers: ClinVar variation 137573 (VCV000137573.65), dbSNP rs41278359, ClinGen allele CA291214.

ClinVar aggregate classification (germline): Conflicting classifications of pathogenicity. Review status: criteria provided, conflicting classifications (1 of 4 stars). 9 submissions from 9 submitters: Uncertain significance (1); Benign (4); Likely benign (3). 1 of the submissions does not count toward it. Last evaluated 2026-09-01.

Conditions:
Familial dysautonomia. Also called: HSAN III; FD. Identifiers: Orphanet 1764, MedGen C0013364, MONDO:0009131, OMIM 223900. Disease mechanism: loss of function.

Allele frequency attached by ClinVar (database versions not stated): 1000 Genomes Project 30x 0.00187; 1000 Genomes Project 0.00220; ESP Exome Variant Server 0.00492; TOPMed 0.00517; ExAC 0.00695; gnomAD 0.00698 and 0.00732; gnomAD exomes 0.00733 and 0.00744.
gnomAD v4.1: 11,857 of 1,614,018 alleles (0.73%); highest among the groups gnomAD compares: Non-Finnish European, 0.77%; 64 homozygotes.

Submissions (9):

CeGaT Center for Human Genetics Tuebingen
Classification: Likely benign. Last evaluated: 2026-09-01. Review status: criteria provided, single submitter. Criteria: CeGaT Center For Human Genetics Tuebingen Variant Classification Criteria Version 2. Collection method: clinical testing. Allele origin: germline. Affected: yes. Observed: 80 variant alleles.
Comment: ELP1: BP4, BP7, BS2

Labcorp Genetics (formerly Invitae), Labcorp
Classification: Benign. Last evaluated: 2026-02-04. Review status: criteria provided, single submitter. Criteria: Invitae Variant Classification Sherloc (09022015). Collection method: clinical testing. Allele origin: germline.

Mayo Clinic Laboratories, Mayo Clinic
Classification: Likely benign. Last evaluated: 2025-08-27. Review status: criteria provided, single submitter. Criteria: ACMG Guidelines, 2015. Collection method: clinical testing. Allele origin: germline. Observed: 26 variant alleles.
Comment: BS1, BP4, BP7

ARUP Laboratories, Molecular Genetics and Genomics, ARUP Laboratories
Classification: Benign. Last evaluated: 2024-11-21. Review status: criteria provided, single submitter. Criteria: ARUP Molecular Germline Variant Investigation Process 2024. Collection method: clinical testing. Allele origin: germline.

Ambry Genetics
Classification: Likely benign. Last evaluated: 2022-02-20. Review status: criteria provided, single submitter. Criteria: Ambry Variant Classification Scheme 2023. Collection method: clinical testing. Allele origin: germline.

Illumina Laboratory Services, Illumina
Classification: Uncertain significance for Familial dysautonomia. Last evaluated: 2018-01-13. Review status: criteria provided, single submitter. Criteria: ICSL Variant Classification Criteria 13 December 2019. Collection method: clinical testing. Allele origin: germline.

Eurofins Ntd Llc (ga)
Classification: Benign. Last evaluated: 2016-01-25. Review status: criteria provided, single submitter. Criteria: EGL Classification Definitions 2015. Collection method: clinical testing. Allele origin: germline. Observed: 1 variant allele, 1 heterozygote.

GeneDx
Classification: Benign. Last evaluated: 2014-03-17. Review status: criteria provided, single submitter. Criteria: GeneDx Variant Classification (06012015). Collection method: clinical testing. Allele origin: germline. Affected: yes.
Comment: This variant is considered likely benign or benign based on one or more of the following criteria: it is a conservative change, it occurs at a poorly conserved position in the protein, it is predicted to be benign by multiple in silico algorithms, and/or has population frequency not consistent with disease.

Natera, Inc.
Classification: Uncertain significance for Hereditary sensory and autonomic neuropathy type III. Last evaluated: 2020-01-17. Review status: no assertion criteria provided. Collection method: clinical testing. Allele origin: germline. Not counted in ClinVar's aggregate classification.